The following is an entry in ClinVar:

NM_003334.4(UBA1):c.2504G>A (p.Ser835Asn)

Gene: UBA1 (ubiquitin like modifier activating enzyme 1; plus strand). Cytogenetic location: Xp11.3.
Variant type: single nucleotide variant.
Coding change: c.2504G>A on transcript NM_003334.4 (MANE Select); coding-DNA position 2504, G replaced by A.
Protein change: p.Ser835Asn; replaces serine 835 with asparagine.
Molecular consequence: missense variant.
Genome position (GRCh38, 1-based): chrX:47,212,463, G>A. VCF-style: chrX-47212463-G-A. GRCh37 (hg19) VCF-style: chrX-47071862-G-A.
Other names: c.2504G>A, p.Ser835Asn (NM_153280.3); short protein forms S835N.
Identifiers: ClinVar variation 950677 (VCV000950677.11), dbSNP rs782586380, ClinGen allele CA10396143.

ClinVar aggregate classification (germline): Uncertain significance. Review status: criteria provided, multiple submitters, no conflicts (2 of 4 stars). 2 submissions from 2 submitters: Uncertain significance (2). Last evaluated 2023-10-22.

Conditions:
Inborn genetic diseases. Identifiers: MedGen C0950123, MeSH D030342.
Infantile-onset X-linked spinal muscular atrophy. Also called: Spinal muscular atrophy, X-linked 2; SPINAL MUSCULAR ATROPHY, X-LINKED LETHAL INFANTILE; Spinal Muscular Atrophy, X-Linked Infantile; AMC, DISTAL, X-LINKED; ARTHROGRYPOSIS, X-LINKED, TYPE I. Identifiers: Orphanet 1145, MedGen C1844934, MONDO:0010532, OMIM 301830.

Allele frequency attached by ClinVar (database versions not stated): TOPMed below 0.00001; ExAC 0.00001; gnomAD 0.00001; gnomAD exomes 0.00001 and 0.00002.
gnomAD v4.1: 15 of 1,209,051 alleles (0.0012%); highest among the groups gnomAD compares: Non-Finnish European, 0.0017%; no homozygotes.

Submissions (2):

Labcorp Genetics (formerly Invitae), Labcorp
Classification: Uncertain significance for Infantile-onset X-linked spinal muscular atrophy. Last evaluated: 2023-10-22. Review status: criteria provided, single submitter. Criteria: Invitae Variant Classification Sherloc (09022015). Collection method: clinical testing. Allele origin: germline.
Comment: This sequence change replaces serine, which is neutral and polar, with asparagine, which is neutral and polar, at codon 835 of the UBA1 protein (p.Ser835Asn). This variant is present in population databases (rs782586380, gnomAD 0.006%), including at least one homozygous and/or hemizygous individual. This variant has not been reported in the literature in individuals affected with UBA1-related conditions. ClinVar contains an entry for this variant (Variation ID: 950677). An algorithm developed to predict the effect of missense changes on protein structure and function (PolyPhen-2) suggests that this variant is likely to be tolerated. In summary, the available evidence is currently insufficient to determine the role of this variant in disease. Therefore, it has been classified as a Variant of Uncertain Significance.

Ambry Genetics
Classification: Uncertain significance for Inborn genetic diseases. Last evaluated: 2021-10-16. Review status: criteria provided, single submitter. Criteria: Ambry Variant Classification Scheme 2023. Collection method: clinical testing. Allele origin: germline.
Comment: The p.S835N variant (also known as c.2504G>A), located in coding exon 20 of the UBA1 gene, results from a G to A substitution at nucleotide position 2504. The serine at codon 835 is replaced by asparagine, an amino acid with highly similar properties. This amino acid position is conserved. In addition, this alteration is predicted to be tolerated by in silico analysis. Since supporting evidence is limited at this time, the clinical significance of this alteration remains unclear.